The following is an entry in ClinVar:

NM_006907.4(PYCR1):c.329C>T (p.Ala110Val)

Gene: PYCR1 (pyrroline-5-carboxylate reductase 1; minus strand). Cytogenetic location: 17q25.3.
Variant type: single nucleotide variant.
Coding change: c.329C>T on transcript NM_006907.4 (MANE Select); coding-DNA position 329, C replaced by T.
Protein change: p.Ala110Val; replaces alanine 110 with valine.
Molecular consequence: missense variant.
Genome position (GRCh38, 1-based): chr17:81,935,137, G>A on the plus strand (C>T on the coding strand, the complement: PYCR1 is on the minus strand). VCF-style: chr17-81935137-G-A. GRCh37 (hg19) VCF-style: chr17-79893013-G-A.
Other names: c.329C>T, p.Ala110Val (NM_001282279.2, NM_001282280.2, NM_001330523.2 and 1 more transcripts); c.410C>T, p.Ala137Val (NM_001282281.2); short protein forms A137V, A110V.
Identifiers: ClinVar variation 813586 (VCV000813586.15), dbSNP rs138195513, ClinGen allele CA8845468.

ClinVar aggregate classification (germline): Likely benign. Review status: criteria provided, multiple submitters, no conflicts (2 of 4 stars). 4 submissions from 4 submitters: Likely benign (3). 1 of the submissions does not count toward it. Last evaluated 2026-01-31.

Conditions:
Cutis laxa. Identifiers: Orphanet 209, MedGen C0010495, MONDO:0016175, HP:0000973.
Microcephaly. Also called: Microcephaly (disease). Identifiers: MedGen C4551563, MONDO:0001149, HP:0000252.

Allele frequency attached by ClinVar (database versions not stated): gnomAD 0.00012 and 0.00025; gnomAD exomes 0.00041; ExAC 0.00044; TOPMed 0.00045; 1000 Genomes Project 30x 0.00125; 1000 Genomes Project 0.00140.
gnomAD v4.1: 550 of 1,607,348 alleles (0.034%); highest among the groups gnomAD compares: East Asian, 0.83%; 5 homozygotes.

Submissions (4):

Labcorp Genetics (formerly Invitae), Labcorp
Classification: Likely benign. Last evaluated: 2026-01-31. Review status: criteria provided, single submitter. Criteria: Invitae Variant Classification Sherloc (09022015). Collection method: clinical testing. Allele origin: germline.

GeneDx
Classification: Likely benign. Last evaluated: 2021-01-20. Review status: criteria provided, single submitter. Criteria: GeneDx Variant Classification Process June 2021. Collection method: clinical testing. Allele origin: germline. Affected: yes.
Comment: In silico analysis, which includes protein predictors and evolutionary conservation, supports that this variant does not alter protein structure/function; This variant is associated with the following publications: (PMID: 24913064, 21739576)

Illumina Laboratory Services, Illumina
Classification: Likely benign for Cutis laxa. Last evaluated: 2017-04-27. Review status: criteria provided, single submitter. Criteria: ICSL Variant Classification Criteria 13 December 2019. Collection method: clinical testing. Allele origin: germline.
Comment: This variant was observed as part of a predisposition screen in an ostensibly healthy population. A literature search was performed for the gene, cDNA change, and amino acid change (where applicable). Publications were found based on this search. The evidence from the literature, in combination with allele frequency data from public databases where available, was sufficient to determine this variant is unlikely to cause disease. Therefore, this variant is classified as likely benign.

Department of Pediatrics, Samsung Medical Center, Samsung Medical Center
Classification: Uncertain significance for Microcephaly. Review status: no assertion criteria provided. Criteria: ACMG Guidelines, 2015. Collection method: research. Allele origin: germline. Affected: yes. Not counted in ClinVar's aggregate classification.

Literature cited by the submitters: PubMed 24913064 (cited by Illumina Laboratory Services, Illumina); PubMed 21739576 (cited by Illumina Laboratory Services, Illumina).